The following is an entry in ClinVar:

NM_003823.4(TNFRSF6B):c.520T>C (p.Cys174Arg)

Genes: RTEL1-TNFRSF6B (RTEL1-TNFRSF6B readthrough (NMD candidate); plus strand), TNFRSF6B (TNF receptor superfamily member 6b; plus strand). Cytogenetic location: 20q13.33.
Variant type: single nucleotide variant.
Coding change: c.520T>C on transcript NM_003823.4 (MANE Select); coding-DNA position 520, T replaced by C.
Protein change: p.Cys174Arg; replaces cysteine 174 with arginine.
Molecular consequence: missense variant. On other transcripts: non-coding transcript variant (1).
Genome position (GRCh38, 1-based): chr20:63,697,423, T>C. VCF-style: chr20-63697423-T-C. GRCh37 (hg19) VCF-style: chr20-62328776-T-C.
Other names: c.520T>C (NM_003823.3); short protein forms C174R.
Identifiers: ClinVar variation 1023389 (VCV001023389.9), dbSNP rs1386752096, ClinGen allele CA409711631.

ClinVar aggregate classification (germline): Uncertain significance. Review status: criteria provided, multiple submitters, no conflicts (2 of 4 stars). 2 submissions from 2 submitters: Uncertain significance (2). Last evaluated 2025-03-31.

Allele frequency attached by ClinVar (database versions not stated): gnomAD 0.00001; gnomAD exomes 0.00001; TOPMed 0.00001.

Submissions (2):

Labcorp Genetics (formerly Invitae), Labcorp
Classification: Uncertain significance. Last evaluated: 2025-03-31. Review status: criteria provided, single submitter. Criteria: Invitae Variant Classification Sherloc (09022015). Collection method: clinical testing. Allele origin: germline.
Comment: This sequence change replaces cysteine, which is neutral and slightly polar, with arginine, which is basic and polar, at codon 174 of the TNFRSF6B protein (p.Cys174Arg). This variant is not present in population databases (gnomAD no frequency). This variant has not been reported in the literature in individuals affected with TNFRSF6B-related conditions. ClinVar contains an entry for this variant (Variation ID: 1023389). An algorithm developed to predict the effect of missense changes on protein structure and function (PolyPhen-2) suggests that this variant is likely to be disruptive. In summary, the available evidence is currently insufficient to determine the role of this variant in disease. Therefore, it has been classified as a Variant of Uncertain Significance.

Ambry Genetics
Classification: Uncertain significance. Last evaluated: 2022-08-08. Review status: criteria provided, single submitter. Criteria: Ambry Variant Classification Scheme 2023. Collection method: clinical testing. Allele origin: germline.